The following is an entry in ClinVar:

ClinVar aggregate classification (germline): Benign/Likely benign. Review status: criteria provided, multiple submitters, no conflicts (2 of 4 stars). 22 submissions from 15 submitters: Benign (14); Likely benign (6). 2 of the submissions do not count toward it. Last evaluated 2026-02-03.

Conditions:
Dilated cardiomyopathy 1G (CMD1G). Identifiers: Orphanet 154, MedGen C1858763, MONDO:0011400, OMIM 604145.
Autosomal recessive limb-girdle muscular dystrophy type 2J (LGMDR10). Also called: MUSCULAR DYSTROPHY, LIMB-GIRDLE, AUTOSOMAL RECESSIVE 10; Limb-girdle muscular dystrophy, type 2J. Identifiers: Orphanet 140922, MedGen C1837342, MONDO:0012127, OMIM 608807.
Cardiovascular phenotype. Identifiers: MedGen CN230736.
Cardiomyopathy (CMYO). Also called: Cardiomyopathies. Identifiers: Orphanet 167848, MedGen C0878544, MONDO:0004994, HP:0001638. Inheritance: Various modes of inheritance.
Early-onset myopathy with fatal cardiomyopathy (CMYO5). Also called: CONGENITAL MYOPATHY 5 WITH CARDIOMYOPATHY; Salih Myopathy. Identifiers: Orphanet 289377, MedGen C2673677, MONDO:0012714, OMIM 611705. Disease mechanism: loss of function.
Myopathy, myofibrillar, 9, with early respiratory failure (MFM9). Also called: Myopathy, distal, with early respiratory failure, autosomal dominant; Hereditary myopathy with early respiratory failure; MYOPATHY, PROXIMAL, WITH EARLY RESPIRATORY MUSCLE INVOLVEMENT; EDSTROM MYOPATHY. Identifiers: Orphanet 178464, Orphanet 34521, MedGen C1863599, MONDO:0011362, OMIM 603689.
Tibial muscular dystrophy (TMD). Also called: Udd Distal Myopathy – Tibial Muscular Dystrophy; Tibial muscular dystrophy, tardive; UDD MYOPATHY. Identifiers: Orphanet 609, MedGen C1838244, MONDO:0010870, OMIM 600334.

Allele frequency attached by ClinVar (database versions not stated): gnomAD exomes 0.00055 and 0.00142; ExAC 0.00166; 1000 Genomes Project 30x 0.00484; ESP Exome Variant Server 0.00505; gnomAD 0.00449 and 0.00481; 1000 Genomes Project 0.00379; TOPMed 0.00508.
gnomAD v4.1: 1,528 of 1,613,192 alleles (0.095%); highest among the groups gnomAD compares: African/African-American, 1.6%; 7 homozygotes.

Submissions (22):

Labcorp Genetics (formerly Invitae), Labcorp
Classification: Benign for Dilated cardiomyopathy 1G; Autosomal recessive limb-girdle muscular dystrophy type 2J. Last evaluated: 2026-02-03. Review status: criteria provided, single submitter. Criteria: Invitae Variant Classification Sherloc (09022015). Collection method: clinical testing. Allele origin: germline.

Molecular Diagnostic Laboratory for Inherited Cardiovascular Disease, Montreal Heart Institute
Classification: Likely benign. Last evaluated: 2025-04-09. Review status: criteria provided, single submitter. Criteria: ACMG Guidelines, 2015. Collection method: clinical testing. Allele origin: germline. Affected: no.

Athena Diagnostics
Classification: Benign. Last evaluated: 2024-10-17. Review status: criteria provided, single submitter. Criteria: Athena Diagnostics Criteria. Collection method: clinical testing. Allele origin: unknown.

Blueprint Genetics
Classification: Likely benign. Last evaluated: 2024-10-14. Review status: criteria provided, single submitter. Criteria: ACMG Guidelines, 2015. Collection method: clinical testing. Allele origin: germline.

ARUP Laboratories, Molecular Genetics and Genomics, ARUP Laboratories
Classification: Benign. Last evaluated: 2024-06-21. Review status: criteria provided, single submitter. Criteria: ARUP Molecular Germline Variant Investigation Process 2024. Collection method: clinical testing. Allele origin: germline.

Genome-Nilou Lab
Classification: Benign for Autosomal recessive limb-girdle muscular dystrophy type 2J. Last evaluated: 2021-09-10. Review status: criteria provided, single submitter. Criteria: ACMG Guidelines, 2015. Collection method: clinical testing. Allele origin: germline. Affected: no.

Genome-Nilou Lab
Classification: Benign for Myopathy, myofibrillar, 9, with early respiratory failure. Last evaluated: 2021-09-10. Review status: criteria provided, single submitter. Criteria: ACMG Guidelines, 2015. Collection method: clinical testing. Allele origin: germline. Affected: no.

Genome-Nilou Lab
Classification: Benign for Early-onset myopathy with fatal cardiomyopathy. Last evaluated: 2021-09-10. Review status: criteria provided, single submitter. Criteria: ACMG Guidelines, 2015. Collection method: clinical testing. Allele origin: germline. Affected: no.

Genome-Nilou Lab
Classification: Benign for Tibial muscular dystrophy. Last evaluated: 2021-09-10. Review status: criteria provided, single submitter. Criteria: ACMG Guidelines, 2015. Collection method: clinical testing. Allele origin: germline. Affected: no.

CHEO Genetics Diagnostic Laboratory, Children's Hospital of Eastern Ontario
Classification: Benign for Cardiomyopathy. Last evaluated: 2020-11-13. Review status: criteria provided, single submitter. Criteria: ACMG Guidelines, 2015. Collection method: clinical testing. Allele origin: germline.

Women's Health and Genetics/Laboratory Corporation of America, LabCorp
Classification: Benign. Last evaluated: 2020-10-17. Review status: criteria provided, single submitter. Criteria: LabCorp Variant Classification Summary - May 2015. Collection method: clinical testing. Allele origin: germline.

Mayo Clinic Laboratories, Mayo Clinic
Classification: Benign. Last evaluated: 2018-01-17. Review status: criteria provided, single submitter. Criteria: ACMG Guidelines, 2015. Collection method: clinical testing. Allele origin: germline. Observed: 14 variant alleles.

Illumina Laboratory Services, Illumina
Classification: Likely benign for Autosomal recessive limb-girdle muscular dystrophy type 2J. Last evaluated: 2018-01-13. Review status: criteria provided, single submitter. Criteria: ICSL Variant Classification Criteria 13 December 2019. Collection method: clinical testing. Allele origin: germline.
Comment: This variant was observed in the ICSL laboratory as part of a predisposition screen in an ostensibly healthy population. It had not been previously curated by ICSL or reported in the Human Gene Mutation Database (HGMD: prior to June 1st, 2018), and was therefore a candidate for classification through an automated scoring system. Utilizing variant allele frequency, disease prevalence and penetrance estimates, and inheritance mode, an automated score was calculated to assess if this variant is too frequent to cause the disease. Based on the score and internal cut-off values, a variant classified as likely benign is not then subjected to further curation. The score for this variant resulted in a classification of likely benign for this disease.

Illumina Laboratory Services, Illumina
Classification: Benign for Myopathy, myofibrillar, 9, with early respiratory failure. Last evaluated: 2018-01-13. Review status: criteria provided, single submitter. Criteria: ICSL Variant Classification Criteria 13 December 2019. Collection method: clinical testing. Allele origin: germline.
Comment: This variant was observed in the ICSL laboratory as part of a predisposition screen in an ostensibly healthy population. It had not been previously curated by ICSL or reported in the Human Gene Mutation Database (HGMD: prior to June 1st, 2018), and was therefore a candidate for classification through an automated scoring system. Utilizing variant allele frequency, disease prevalence and penetrance estimates, and inheritance mode, an automated score was calculated to assess if this variant is too frequent to cause the disease. Based on the score and internal cut-off values, a variant classified as benign is not then subjected to further curation. The score for this variant resulted in a classification of benign for this disease.

Illumina Laboratory Services, Illumina
Classification: Benign for Tibial muscular dystrophy. Last evaluated: 2018-01-13. Review status: criteria provided, single submitter. Criteria: ICSL Variant Classification Criteria 13 December 2019. Collection method: clinical testing. Allele origin: germline.
Comment: the same text as in the submission from Illumina Laboratory Services, Illumina above.

Illumina Laboratory Services, Illumina
Classification: Likely benign for Early-onset myopathy with fatal cardiomyopathy. Last evaluated: 2018-01-13. Review status: criteria provided, single submitter. Criteria: ICSL Variant Classification Criteria 13 December 2019. Collection method: clinical testing. Allele origin: germline.
Comment: the same text as in the submission from Illumina Laboratory Services, Illumina above.

Illumina Laboratory Services, Illumina
Classification: Likely benign for Dilated cardiomyopathy 1G. Last evaluated: 2018-01-13. Review status: criteria provided, single submitter. Criteria: ICSL Variant Classification Criteria 13 December 2019. Collection method: clinical testing. Allele origin: germline.
Comment: the same text as in the submission from Illumina Laboratory Services, Illumina above.

GeneDx
Classification: Benign. Last evaluated: 2013-04-08. Review status: criteria provided, single submitter. Criteria: GeneDx Variant Classification (06012015). Collection method: clinical testing. Allele origin: germline. Affected: yes.
Comment: This variant is considered likely benign or benign based on one or more of the following criteria: it is a conservative change, it occurs at a poorly conserved position in the protein, it is predicted to be benign by multiple in silico algorithms, and/or has population frequency not consistent with disease.

Ambry Genetics
Classification: Likely benign for Cardiovascular phenotype. Last evaluated: 2012-12-06. Review status: criteria provided, single submitter. Criteria: Ambry Autosomal Dominant and X-Linked criteria (10/2015). Collection method: clinical testing. Allele origin: germline. Observed: 1 variant allele.

Laboratory for Molecular Medicine, Mass General Brigham Personalized Medicine
Classification: Benign. Last evaluated: 2012-03-19. Review status: criteria provided, single submitter. Criteria: LMM Criteria. Collection method: clinical testing. Allele origin: germline. Observed: 12 variant alleles.
Comment: Thr20125Thr in exon 269 of TTN: This variant is not expected to have clinical si gnificance because it does not alter an amino acid residue, is not located withi n the splice consensus sequence, and it has been identified in 1.4% (45/3288) of African American chromosomes from a broad population by the NHLBI Exome Sequenc ing Project (dbSNP rs11904444).

Clinical Genetics DNA and cytogenetics Diagnostics Lab, Erasmus MC, Erasmus Medical Center
Classification: Benign. Review status: no assertion criteria provided. Collection method: clinical testing. Allele origin: germline. Affected: yes. Study: VKGL Data-share Consensus. Not counted in ClinVar's aggregate classification.

Clinical Genetics, Academic Medical Center
Classification: Benign. Review status: no assertion criteria provided. Collection method: clinical testing. Allele origin: germline. Affected: yes. Study: VKGL Data-share Consensus. Not counted in ClinVar's aggregate classification.

NM_001267550.2(TTN):c.68079G>A (p.Thr22693=)

Genes: TTN (titin; minus strand), TTN-AS1 (TTN antisense RNA 1; plus strand), LOC126806423 (CDK7 strongly-dependent group 2 enhancer GRCh37_chr2:179443309-179444508; plus strand). Cytogenetic location: 2q31.2.
Variant type: single nucleotide variant.
Coding change: c.68079G>A on transcript NM_001267550.2 (MANE Select); coding-DNA position 68079, G replaced by A.
Protein change: p.Thr22693=; no amino-acid change (threonine 22693 retained).
Molecular consequence: synonymous variant.
Genome position (GRCh38, 1-based): chr2:178,578,951, C>T on the plus strand (G>A on the coding strand, the complement: TTN is on the minus strand). VCF-style: chr2-178578951-C-T. GRCh37 (hg19) VCF-style: chr2-179443678-C-T.
Other names: p.T21052T:ACG>ACA; p.Thr20125=; c.63156G>A, p.Thr21052= (NM_001256850.1); c.40884G>A, p.Thr13628= (NM_003319.4); c.60375G>A, p.Thr20125= (NM_133378.4); c.41259G>A, p.Thr13753= (NM_133432.3); c.41460G>A, p.Thr13820= (NM_133437.4).
Identifiers: ClinVar variation 47260 (VCV000047260.41), dbSNP rs11904444, ClinGen allele CA283656.
Genomic context (GRCh38, chr2:178,578,951, plus strand): 5'-TTCCATGCCCTCATGAAGTCTGGTTACTCTAAAGGTGGTTTTCTGGACAGCTGAGGCGCA[C>T]GTCACCCACTTGTTGTTCACAGAATCCCTCTTCTCTAGGATATAGTTGGTGATTTCAGAA-3'
Protein context (NP_001254479.2, residues 22683-22703): KRDSVNNKWV[Thr22693=]CASAVQKTTF